The following is an entry in ClinVar:

NM_001370466.1(NOD2):c.-8-2208G>A

Gene: NOD2 (nucleotide binding oligomerization domain containing 2; plus strand). Cytogenetic location: 16q12.1.
Variant type: single nucleotide variant.
Coding change: c.-8-2208G>A on transcript NM_001370466.1 (MANE Select); 2208 bases into the intron before 8 bases upstream of the start codon, G replaced by A.
Molecular consequence: intron variant. On other transcripts: missense variant (1).
Genome position (GRCh38, 1-based): chr16:50,697,280, G>A. VCF-style: chr16-50697280-G-A. GRCh37 (hg19) VCF-style: chr16-50731191-G-A.
Other names: c.37G>A, p.Glu13Lys (NM_022162.3); short protein forms E13K.
Identifiers: ClinVar variation 1474089 (VCV001474089.6), dbSNP rs2150776587, ClinGen allele CA395864328.
Genomic context (GRCh38, chr16:50,697,280, plus strand): 5'-GCTCCCCCAGCCTAATGGGCTTTGATGGGGGAAGAGGGTGGTTCAGCCTCTCACGATGAG[G>A]AGGAAAGAGCAAGTGTCCTCCTCGGACATTCTCCGGGTAAGAGGAGCAGGCATTGTCCCG-3'

ClinVar aggregate classification (germline): Uncertain significance (1 of 4 stars; one submission).

Conditions:
Blau syndrome (BLAUS). Also called: GRANULOMATOSIS, FAMILIAL JUVENILE SYSTEMIC; GRANULOMATOSIS, FAMILIAL, BLAU TYPE; GRANULOMATOUS INFLAMMATORY ARTHRITIS, DERMATITIS, AND UVEITIS, FAMILIAL; JABS SYNDROME; ARTHROCUTANEOUVEAL GRANULOMATOSIS. Identifiers: Orphanet 90340, MedGen C5201146, MONDO:0008523, OMIM 186580.
Regional enteritis. Also called: Enteritis, Granulomatous. Identifiers: MedGen C0678202, MeSH D003424.

gnomAD v4.1: 1 of 1,560,672 alleles (0.000064%); highest among the groups gnomAD compares: Non-Finnish European, 0.000087%; no homozygotes.

Submission:

Labcorp Genetics (formerly Invitae), Labcorp
Classification: Uncertain significance for Regional enteritis; Blau syndrome. Last evaluated: 2021-11-16. Review status: criteria provided, single submitter. Criteria: Invitae Variant Classification Sherloc (09022015). Collection method: clinical testing. Allele origin: germline.
Comment: This sequence change replaces glutamic acid, which is acidic and polar, with lysine, which is basic and polar, at codon 13 of the NOD2 protein (p.Glu13Lys). This variant is not present in population databases (gnomAD no frequency). This variant has not been reported in the literature in individuals affected with NOD2-related conditions. Advanced modeling of protein sequence and biophysical properties (such as structural, functional, and spatial information, amino acid conservation, physicochemical variation, residue mobility, and thermodynamic stability) performed at Invitae indicates that this missense variant is not expected to disrupt NOD2 protein function. In summary, the available evidence is currently insufficient to determine the role of this variant in disease. Therefore, it has been classified as a Variant of Uncertain Significance.